The following is an entry in ClinVar:

NM_001195263.2(PDZD7):c.2819G>A (p.Arg940Gln)

Gene: PDZD7 (PDZ domain containing 7; minus strand). Cytogenetic location: 10q24.31.
Variant type: single nucleotide variant.
Coding change: c.2819G>A on transcript NM_001195263.2 (MANE Select); coding-DNA position 2819, G replaced by A.
Protein change: p.Arg940Gln; replaces arginine 940 with glutamine.
Molecular consequence: missense variant.
Genome position (GRCh38, 1-based): chr10:101,008,750, C>T on the plus strand (G>A on the coding strand, the complement: PDZD7 is on the minus strand). VCF-style: chr10-101008750-C-T. GRCh37 (hg19) VCF-style: chr10-102768507-C-T.
Other names: c.2819G>A (NM_001195263.1); short protein forms R940Q.
Identifiers: ClinVar variation 1001634 (VCV001001634.7), dbSNP rs556216049, ClinGen allele CA5653943.

ClinVar aggregate classification (germline): Uncertain significance. Review status: criteria provided, multiple submitters, no conflicts (2 of 4 stars). 3 submissions from 3 submitters: Uncertain significance (3). Last evaluated 2024-12-03.

Allele frequency attached by ClinVar (database versions not stated): gnomAD exomes 0.00007 and 0.00009; ExAC 0.00008; 1000 Genomes Project 30x 0.00016; 1000 Genomes Project 0.00020; gnomAD 0.00031 and 0.00036; TOPMed 0.00039.
gnomAD v4.1: 145 of 1,535,838 alleles (0.0094%); highest among the groups gnomAD compares: African/African-American, 0.13%; no homozygotes.

Submissions (3):

GeneDx
Classification: Uncertain significance. Last evaluated: 2024-12-03. Review status: criteria provided, single submitter. Criteria: GeneDx Variant Classification Process June 2021. Collection method: clinical testing. Allele origin: germline. Affected: yes.
Comment: In silico analysis supports that this missense variant does not alter protein structure/function; Has not been previously published as pathogenic or benign to our knowledge

Labcorp Genetics (formerly Invitae), Labcorp
Classification: Uncertain significance. Last evaluated: 2024-11-04. Review status: criteria provided, single submitter. Criteria: Invitae Variant Classification Sherloc (09022015). Collection method: clinical testing. Allele origin: germline.
Comment: This sequence change replaces arginine, which is basic and polar, with glutamine, which is neutral and polar, at codon 940 of the PDZD7 protein (p.Arg940Gln). This variant is present in population databases (rs556216049, gnomAD 0.1%). This variant has not been reported in the literature in individuals affected with PDZD7-related conditions. ClinVar contains an entry for this variant (Variation ID: 1001634). An algorithm developed to predict the effect of missense changes on protein structure and function outputs the following: PolyPhen-2: "Not Available". The glutamine amino acid residue is found in multiple mammalian species, which suggests that this missense change does not adversely affect protein function. In summary, the available evidence is currently insufficient to determine the role of this variant in disease. Therefore, it has been classified as a Variant of Uncertain Significance.

Breakthrough Genomics
Classification: Uncertain significance. Review status: criteria provided, single submitter. Criteria: ACMG Guidelines, 2015. Collection method: not provided. Allele origin: germline. Inheritance: Autosomal recessive inheritance. Affected: yes.